The following is an entry in ClinVar:

NM_001042492.3(NF1):c.991A>G (p.Ser331Gly)

Gene: NF1 (neurofibromin 1; plus strand). Cytogenetic location: 17q11.2.
Variant type: single nucleotide variant.
Coding change: c.991A>G on transcript NM_001042492.3 (MANE Select); coding-DNA position 991, A replaced by G.
Protein change: p.Ser331Gly; replaces serine 331 with glycine.
Molecular consequence: missense variant.
Genome position (GRCh38, 1-based): chr17:31,200,524, A>G. VCF-style: chr17-31200524-A-G. GRCh37 (hg19) VCF-style: chr17-29527542-A-G.
Other names: c.991A>G, p.Ser331Gly (NM_000267.4, NM_001128147.3); short protein forms S331G.
Identifiers: ClinVar variation 4800711 (VCV004800711.1).

ClinVar aggregate classification (germline): Uncertain significance (1 of 4 stars; one submission).

Conditions:
Neurofibromatosis, type 1 (NF1). Also called: VON RECKLINGHAUSEN DISEASE; Neurofibromatosis, type I; NEUROFIBROMATOSIS, TYPE I, SOMATIC; Peripheral type neurofibromatosis. Identifiers: Orphanet 636, MedGen C0027831, MONDO:0018975, OMIM 162200. Disease mechanism: loss of function.

Submission:

Labcorp Genetics (formerly Invitae), Labcorp
Classification: Uncertain significance for Neurofibromatosis, type 1. Last evaluated: 2025-04-28. Review status: criteria provided, single submitter. Criteria: Invitae Variant Classification Sherloc (09022015). Collection method: clinical testing. Allele origin: germline.
Comment: This sequence change replaces serine, which is neutral and polar, with glycine, which is neutral and non-polar, at codon 331 of the NF1 protein (p.Ser331Gly). This variant is not present in population databases (gnomAD no frequency). This variant has not been reported in the literature in individuals affected with NF1-related conditions. Invitae Evidence Modeling of protein sequence and biophysical properties (such as structural, functional, and spatial information, amino acid conservation, physicochemical variation, residue mobility, and thermodynamic stability) indicates that this missense variant is not expected to disrupt NF1 protein function with a negative predictive value of 95%. Algorithms developed to predict the effect of sequence changes on RNA splicing suggest that this variant may disrupt the consensus splice site. In summary, the available evidence is currently insufficient to determine the role of this variant in disease. Therefore, it has been classified as a Variant of Uncertain Significance.